The following is an entry in ClinVar:

NM_001330588.2(TPP2):c.3037A>T (p.Thr1013Ser)

Gene: TPP2 (tripeptidyl peptidase 2; plus strand). Cytogenetic location: 13q33.1.
Variant type: single nucleotide variant.
Coding change: c.3037A>T on transcript NM_001330588.2 (MANE Select); coding-DNA position 3037, A replaced by T.
Protein change: p.Thr1013Ser; replaces threonine 1013 with serine.
Molecular consequence: missense variant. On other transcripts: non-coding transcript variant (1).
Genome position (GRCh38, 1-based): chr13:102,657,101, A>T. VCF-style: chr13-102657101-A-T. GRCh37 (hg19) VCF-style: chr13-103309451-A-T.
Other names: c.3037A>T, p.Thr1013Ser (LRG_1341t1); c.2998A>T, p.Thr1000Ser (NM_001367947.1, NM_003291.4); short protein forms T1013S, T1000S.
Identifiers: ClinVar variation 653755 (VCV000653755.6), dbSNP rs762949239, ClinGen allele CA7038178.
Genomic context (GRCh38, chr13:102,657,101, plus strand): 5'-TCTCCACATTCGTAGGATGTAATCCCTGTTCATTACTACTTAATACCTCCACCAACAAAG[A>T]CTAAGAATGGCAGCAAAGATAAGGAAAAAGATTCAGAAAAAGAGAAAGATTTAAAAGAAG-3'
Protein context (NP_001317517.1, residues 1003-1023): HYYLIPPPTK[Thr1013Ser]KNGSKDKEKD

ClinVar aggregate classification (germline): Uncertain significance (1 of 4 stars; one submission).

Conditions:
Evans syndrome, immunodeficiency, and premature immunosenescence associated with tripeptidyl-peptidase II deficiency. Identifiers: MedGen CN231723. Disease mechanism: loss of function.

Allele frequency attached by ClinVar (database versions not stated): gnomAD exomes below 0.00001 and 0.00001; TOPMed below 0.00001; ExAC 0.00002.
gnomAD v4.1: 2 of 1,590,480 alleles (0.00013%); highest among the groups gnomAD compares: Admixed American, 0.0018%; no homozygotes.

Submission:

Labcorp Genetics (formerly Invitae), Labcorp
Classification: Uncertain significance for Evans syndrome, immunodeficiency, and premature immunosenescence associated with tripeptidyl-peptidase II deficiency. Last evaluated: 2021-08-30. Review status: criteria provided, single submitter. Criteria: Invitae Variant Classification Sherloc (09022015). Collection method: clinical testing. Allele origin: germline.
Comment: This sequence change replaces threonine with serine at codon 1000 of the TPP2 protein (p.Thr1000Ser). The threonine residue is moderately conserved and there is a small physicochemical difference between threonine and serine. This variant is present in population databases (rs762949239, ExAC 0.009%). This variant has not been reported in the literature in individuals affected with TPP2-related conditions. Algorithms developed to predict the effect of missense changes on protein structure and function output the following: SIFT: "Tolerated"; PolyPhen-2: "Benign"; Align-GVGD: "Class C0". The serine amino acid residue is found in multiple mammalian species, which suggests that this missense change does not adversely affect protein function. In summary, the available evidence is currently insufficient to determine the role of this variant in disease. Therefore, it has been classified as a Variant of Uncertain Significance.